The following is an entry in ClinVar:

ClinVar aggregate classification (germline): Uncertain significance (1 of 4 stars; one submission).

Conditions:
Myopathy, proximal, and ophthalmoplegia (CMYO6). Also called: CONGENITAL MYOPATHY 6 WITH OPHTHALMOPLEGIA; MYOPATHY WITH CONGENITAL JOINT CONTRACTURES, OPHTHALMOPLEGIA, AND RIMMED VACUOLES; INCLUSION BODY MYOPATHY 3, AUTOSOMAL DOMINANT. Identifiers: Orphanet 363677, Orphanet 79091, MedGen C1854106, MONDO:0011577, OMIM 605637.

Submission:

Labcorp Genetics (formerly Invitae), Labcorp
Classification: Uncertain significance for Myopathy, proximal, and ophthalmoplegia. Last evaluated: 2024-02-16. Review status: criteria provided, single submitter. Criteria: Invitae Variant Classification Sherloc (09022015). Collection method: clinical testing. Allele origin: germline.
Comment: This sequence change replaces glutamine, which is neutral and polar, with glutamic acid, which is acidic and polar, at codon 149 of the MYH2 protein (p.Gln149Glu). This variant is not present in population databases (gnomAD no frequency). This variant has not been reported in the literature in individuals affected with MYH2-related conditions. Advanced modeling of protein sequence and biophysical properties (such as structural, functional, and spatial information, amino acid conservation, physicochemical variation, residue mobility, and thermodynamic stability) performed at Invitae indicates that this missense variant is expected to disrupt MYH2 protein function with a positive predictive value of 80%. In summary, the available evidence is currently insufficient to determine the role of this variant in disease. Therefore, it has been classified as a Variant of Uncertain Significance.

NM_017534.6(MYH2):c.445C>G (p.Gln149Glu)

Genes: MYH2 (myosin heavy chain 2; minus strand), MYHAS (myosin heavy chain gene cluster antisense RNA; plus strand). Cytogenetic location: 17p13.1.
Variant type: single nucleotide variant.
Coding change: c.445C>G on transcript NM_017534.6 (MANE Select); coding-DNA position 445, C replaced by G.
Protein change: p.Gln149Glu; replaces glutamine 149 with glutamic acid.
Molecular consequence: missense variant.
Genome position (GRCh38, 1-based): chr17:10,545,406, G>C on the plus strand (C>G on the coding strand, the complement: MYH2 is on the minus strand). VCF-style: chr17-10545406-G-C. GRCh37 (hg19) VCF-style: chr17-10448723-G-C.
Other names: c.445C>G, p.Gln149Glu (NM_001100112.2); short protein forms Q149E.
Identifiers: ClinVar variation 3676102 (VCV003676102.2).